The following is an entry in ClinVar:

ClinVar aggregate classification (germline): Conflicting classifications of pathogenicity. Review status: criteria provided, conflicting classifications (1 of 4 stars). 25 submissions from 21 submitters: Uncertain significance (1); Benign (14); Likely benign (5). 5 of the submissions do not count toward it. Last evaluated 2026-02-03.

Conditions:
Cardiovascular phenotype. Identifiers: MedGen CN230736.
Dilated cardiomyopathy 1G (CMD1G). Identifiers: Orphanet 154, MedGen C1858763, MONDO:0011400, OMIM 604145.
Autosomal recessive limb-girdle muscular dystrophy type 2J (LGMDR10). Also called: MUSCULAR DYSTROPHY, LIMB-GIRDLE, AUTOSOMAL RECESSIVE 10; Limb-girdle muscular dystrophy, type 2J. Identifiers: Orphanet 140922, MedGen C1837342, MONDO:0012127, OMIM 608807.
TTN-related myopathy. Identifiers: MedGen CN294812, MONDO:0100175.
Cardiomyopathy (CMYO). Also called: Cardiomyopathies. Identifiers: Orphanet 167848, MedGen C0878544, MONDO:0004994, HP:0001638. Inheritance: Various modes of inheritance.
Early-onset myopathy with fatal cardiomyopathy (CMYO5). Also called: CONGENITAL MYOPATHY 5 WITH CARDIOMYOPATHY; Salih Myopathy. Identifiers: Orphanet 289377, MedGen C2673677, MONDO:0012714, OMIM 611705. Disease mechanism: loss of function.
Myopathy, myofibrillar, 9, with early respiratory failure (MFM9). Also called: Myopathy, distal, with early respiratory failure, autosomal dominant; Hereditary myopathy with early respiratory failure; MYOPATHY, PROXIMAL, WITH EARLY RESPIRATORY MUSCLE INVOLVEMENT; EDSTROM MYOPATHY. Identifiers: Orphanet 178464, Orphanet 34521, MedGen C1863599, MONDO:0011362, OMIM 603689.
Primary dilated cardiomyopathy (DCM). Also called: Dilated Cardiomyopathy. Identifiers: Orphanet 217604, MedGen C0007193, MeSH D002311, MONDO:0005021, HP:0001644. Inheritance: Various modes of inheritance.
Tibial muscular dystrophy (TMD). Also called: Udd Distal Myopathy – Tibial Muscular Dystrophy; Tibial muscular dystrophy, tardive; UDD MYOPATHY. Identifiers: Orphanet 609, MedGen C1838244, MONDO:0010870, OMIM 600334.

Allele frequency attached by ClinVar (database versions not stated): TOPMed 0.00104; ESP Exome Variant Server 0.00144; gnomAD exomes 0.00357 and 0.00212; 1000 Genomes Project 0.00599; gnomAD 0.00103 and 0.00176; ExAC 0.00415; 1000 Genomes Project 30x 0.00593.
gnomAD v4.1: 3,400 of 1,613,718 alleles (0.21%); highest among the groups gnomAD compares: South Asian, 2%; 49 homozygotes.

Submissions (25):

Labcorp Genetics (formerly Invitae), Labcorp
Classification: Benign for Dilated cardiomyopathy 1G; Autosomal recessive limb-girdle muscular dystrophy type 2J. Last evaluated: 2026-02-03. Review status: criteria provided, single submitter. Criteria: Invitae Variant Classification Sherloc (09022015). Collection method: clinical testing. Allele origin: germline.

ARUP Laboratories, Molecular Genetics and Genomics, ARUP Laboratories
Classification: Benign. Last evaluated: 2025-06-23. Review status: criteria provided, single submitter. Criteria: ARUP Molecular Germline Variant Investigation Process 2024. Collection method: clinical testing. Allele origin: germline.

Molecular Diagnostic Laboratory for Inherited Cardiovascular Disease, Montreal Heart Institute
Classification: Benign. Last evaluated: 2025-04-09. Review status: criteria provided, single submitter. Criteria: ACMG Guidelines, 2015. Collection method: clinical testing. Allele origin: germline. Affected: no.

Athena Diagnostics
Classification: Benign. Last evaluated: 2025-01-21. Review status: criteria provided, single submitter. Criteria: Athena Diagnostics Criteria. Collection method: clinical testing. Allele origin: unknown.
Comment: The frequency of this variant in the general population is higher than would generally be expected for pathogenic variants in this gene.

Mayo Clinic Laboratories, Mayo Clinic
Classification: Benign. Last evaluated: 2023-06-16. Review status: criteria provided, single submitter. Criteria: ACMG Guidelines, 2015. Collection method: clinical testing. Allele origin: germline. Observed: 8 variant alleles.
Comment: BS1, BS2

Molecular Genetics, Royal Melbourne Hospital
Classification: Benign for TTN-related myopathy. Last evaluated: 2023-06-06. Review status: criteria provided, single submitter. Criteria: ACMG Guidelines, 2015. Collection method: clinical testing. Allele origin: germline. Inheritance: Autosomal recessive inheritance. Affected: no.

Women's Health and Genetics/Laboratory Corporation of America, LabCorp
Classification: Likely benign. Last evaluated: 2020-01-06. Review status: criteria provided, single submitter. Criteria: LabCorp Variant Classification Summary - May 2015. Collection method: clinical testing. Allele origin: germline.

CHEO Genetics Diagnostic Laboratory, Children's Hospital of Eastern Ontario
Classification: Benign for Cardiomyopathy. Last evaluated: 2019-05-30. Review status: criteria provided, single submitter. Criteria: ACMG Guidelines, 2015. Collection method: clinical testing. Allele origin: germline.

Illumina Laboratory Services, Illumina
Classification: Likely benign for Autosomal recessive limb-girdle muscular dystrophy type 2J. Last evaluated: 2018-01-12. Review status: criteria provided, single submitter. Criteria: ICSL Variant Classification Criteria 13 December 2019. Collection method: clinical testing. Allele origin: germline.
Comment: This variant was observed in the ICSL laboratory as part of a predisposition screen in an ostensibly healthy population. It had not been previously curated by ICSL or reported in the Human Gene Mutation Database (HGMD: prior to June 1st, 2018), and was therefore a candidate for classification through an automated scoring system. Utilizing variant allele frequency, disease prevalence and penetrance estimates, and inheritance mode, an automated score was calculated to assess if this variant is too frequent to cause the disease. Based on the score and internal cut-off values, a variant classified as likely benign is not then subjected to further curation. The score for this variant resulted in a classification of likely benign for this disease.

Illumina Laboratory Services, Illumina
Classification: Benign for Myopathy, myofibrillar, 9, with early respiratory failure. Last evaluated: 2018-01-12. Review status: criteria provided, single submitter. Criteria: ICSL Variant Classification Criteria 13 December 2019. Collection method: clinical testing. Allele origin: germline.
Comment: This variant was observed in the ICSL laboratory as part of a predisposition screen in an ostensibly healthy population. It had not been previously curated by ICSL or reported in the Human Gene Mutation Database (HGMD: prior to June 1st, 2018), and was therefore a candidate for classification through an automated scoring system. Utilizing variant allele frequency, disease prevalence and penetrance estimates, and inheritance mode, an automated score was calculated to assess if this variant is too frequent to cause the disease. Based on the score and internal cut-off values, a variant classified as benign is not then subjected to further curation. The score for this variant resulted in a classification of benign for this disease.

Illumina Laboratory Services, Illumina
Classification: Benign for Tibial muscular dystrophy. Last evaluated: 2018-01-12. Review status: criteria provided, single submitter. Criteria: ICSL Variant Classification Criteria 13 December 2019. Collection method: clinical testing. Allele origin: germline.
Comment: the same text as in the submission from Illumina Laboratory Services, Illumina above.

Illumina Laboratory Services, Illumina
Classification: Likely benign for Early-onset myopathy with fatal cardiomyopathy. Last evaluated: 2018-01-12. Review status: criteria provided, single submitter. Criteria: ICSL Variant Classification Criteria 13 December 2019. Collection method: clinical testing. Allele origin: germline.
Comment: the same text as in the submission from Illumina Laboratory Services, Illumina above.

Illumina Laboratory Services, Illumina
Classification: Likely benign for Dilated cardiomyopathy 1G. Last evaluated: 2018-01-12. Review status: criteria provided, single submitter. Criteria: ICSL Variant Classification Criteria 13 December 2019. Collection method: clinical testing. Allele origin: germline.
Comment: the same text as in the submission from Illumina Laboratory Services, Illumina above.

Center for Advanced Laboratory Medicine, UC San Diego Health, University of California San Diego
Classification: Benign for Dilated cardiomyopathy. Last evaluated: 2017-02-28. Review status: criteria provided, single submitter. Criteria: ACMG Guidelines, 2015. Collection method: clinical testing. Allele origin: germline. Affected: yes. Observed: 1 variant allele.

Ambry Genetics
Classification: Benign for Cardiovascular phenotype. Last evaluated: 2016-07-15. Review status: criteria provided, single submitter. Criteria: Ambry Variant Classification Scheme 2023. Collection method: clinical testing. Allele origin: germline.

GeneDx
Classification: Benign. Last evaluated: 2016-02-08. Review status: criteria provided, single submitter. Criteria: GeneDx Variant Classification (06012015). Collection method: clinical testing. Allele origin: germline. Affected: yes.
Comment: This variant is considered likely benign or benign based on one or more of the following criteria: it is a conservative change, it occurs at a poorly conserved position in the protein, it is predicted to be benign by multiple in silico algorithms, and/or has population frequency not consistent with disease.

Eurofins Ntd Llc (ga)
Classification: Benign. Last evaluated: 2015-09-01. Review status: criteria provided, single submitter. Criteria: EGL Classification Definitions 2015. Collection method: clinical testing. Allele origin: germline. Observed: 1 variant allele, 1 heterozygote.

Laboratory for Molecular Medicine, Mass General Brigham Personalized Medicine
Classification: Benign. Last evaluated: 2015-02-25. Review status: criteria provided, single submitter. Criteria: LMM Criteria. Collection method: clinical testing. Allele origin: germline. Observed: 13 variant alleles.
Comment: p.Cys27708Gly in exon 284 of TTN: This variant is not expected to have clinical significance because it has been identified in 2.3% (370/16384) of South Asian c hromosomes by the Exome Aggregation Consortium (ExAC .org; dbSNP rs150430592).

Genetic Services Laboratory, University of Chicago
Classification: Uncertain significance. Last evaluated: 2014-03-17. Review status: criteria provided, single submitter. Criteria: ACMG Guidelines, 2007. Collection method: clinical testing. Allele origin: germline.

Biesecker Lab/Clinical Genomics Section, National Institutes of Health
Classification: Likely benign. Last evaluated: 2013-06-24. Review status: criteria provided, single submitter. Criteria: Ng et al. (Circ Cardiovasc Genet. 2013). Collection method: research. Allele origin: unknown. Observed: 5 variant alleles. Study: ClinSeq.
Comment: The study set was not selected for affection status in relation to any cancer. Pathogenicity categories were based on literature curation. See Pubmed ID:23861362 for details.

Medical sequencing

Clinical Genetics DNA and cytogenetics Diagnostics Lab, Erasmus MC, Erasmus Medical Center
Classification: Likely benign. Review status: no assertion criteria provided. Collection method: clinical testing. Allele origin: germline. Affected: yes. Study: VKGL Data-share Consensus. Not counted in ClinVar's aggregate classification.

Clinical Genetics, Academic Medical Center
Classification: Benign. Review status: no assertion criteria provided. Collection method: clinical testing. Allele origin: germline. Affected: yes. Study: VKGL Data-share Consensus. Not counted in ClinVar's aggregate classification.

Diagnostic Laboratory, Department of Genetics, University Medical Center Groningen
Classification: Likely benign. Review status: no assertion criteria provided. Collection method: clinical testing. Allele origin: germline. Affected: yes. Study: VKGL Data-share Consensus. Not counted in ClinVar's aggregate classification.

Joint Genome Diagnostic Labs from Nijmegen and Maastricht, Radboudumc and MUMC+
Classification: Benign. Review status: no assertion criteria provided. Collection method: clinical testing. Allele origin: germline. Affected: yes. Study: VKGL Data-share Consensus. Not counted in ClinVar's aggregate classification.

Laboratory of Diagnostic Genome Analysis, Leiden University Medical Center (LUMC)
Classification: Likely benign. Review status: no assertion criteria provided. Collection method: clinical testing. Allele origin: germline. Affected: yes. Study: VKGL Data-share Consensus. Not counted in ClinVar's aggregate classification.

Literature cited by the submitters: PubMed 23861362 (cited by Athena Diagnostics); PubMed 24503780 (cited by Athena Diagnostics).

NM_001267550.2(TTN):c.90826T>G (p.Cys30276Gly)

Genes: TTN (titin; minus strand), TTN-AS1 (TTN antisense RNA 1; plus strand). Cytogenetic location: 2q31.2.
Variant type: single nucleotide variant.
Coding change: c.90826T>G on transcript NM_001267550.2 (MANE Select); coding-DNA position 90826, T replaced by G.
Protein change: p.Cys30276Gly; replaces cysteine 30276 with glycine.
Molecular consequence: missense variant.
Genome position (GRCh38, 1-based): chr2:178,552,074, A>C on the plus strand (T>G on the coding strand, the complement: TTN is on the minus strand). VCF-style: chr2-178552074-A-C. GRCh37 (hg19) VCF-style: chr2-179416801-A-C.
Other names: p.C28635G:TGT>GGT; p.Cys28635Gly; c.85903T>G, p.Cys28635Gly (NM_001256850.1); c.63631T>G, p.Cys21211Gly (NM_003319.4); c.83122T>G, p.Cys27708Gly (NM_133378.4); c.64006T>G, p.Cys21336Gly (NM_133432.3); c.64207T>G, p.Cys21403Gly (NM_133437.4); short protein forms C30276G, C27708G, C28635G, C21211G, C21336G, C21403G.
Identifiers: ClinVar variation 47501 (VCV000047501.53), dbSNP rs150430592, ClinGen allele CA141197.